The following is an entry in ClinVar:

ClinVar aggregate classification (germline): Uncertain significance (1 of 4 stars; one submission).

Conditions:
Hereditary spastic paraplegia 63. Also called: Spastic paraplegia 63, autosomal recessive. Identifiers: Orphanet 401805, MedGen C3810295, MONDO:0014305, OMIM 615686.
Pontocerebellar hypoplasia type 9. Identifiers: Orphanet 369920, MedGen C4014354, MONDO:0014351, OMIM 615809.

Allele frequency attached by ClinVar (database versions not stated): gnomAD 0.00002; TOPMed 0.00002.

Submission:

Labcorp Genetics (formerly Invitae), Labcorp
Classification: Uncertain significance for Pontocerebellar hypoplasia type 9; Hereditary spastic paraplegia 63. Last evaluated: 2024-12-02. Review status: criteria provided, single submitter. Criteria: Invitae Variant Classification Sherloc (09022015). Collection method: clinical testing. Allele origin: germline.
Comment: This sequence change replaces arginine, which is basic and polar, with tryptophan, which is neutral and slightly polar, at codon 281 of the AMPD2 protein (p.Arg281Trp). This variant is not present in population databases (gnomAD no frequency). This variant has not been reported in the literature in individuals affected with AMPD2-related conditions. ClinVar contains an entry for this variant (Variation ID: 2923120). An algorithm developed to predict the effect of missense changes on protein structure and function (PolyPhen-2) suggests that this variant is likely to be disruptive. In summary, the available evidence is currently insufficient to determine the role of this variant in disease. Therefore, it has been classified as a Variant of Uncertain Significance.

NM_001368809.2(AMPD2):c.679C>T (p.Arg227Trp)

Gene: AMPD2 (adenosine monophosphate deaminase 2; plus strand). Cytogenetic location: 1p13.3.
Variant type: single nucleotide variant.
Coding change: c.679C>T on transcript NM_001368809.2 (MANE Select); coding-DNA position 679, C replaced by T.
Protein change: p.Arg227Trp; replaces arginine 227 with tryptophan.
Molecular consequence: missense variant.
Genome position (GRCh38, 1-based): chr1:109,626,873, C>T. VCF-style: chr1-109626873-C-T. GRCh37 (hg19) VCF-style: chr1-110169495-C-T.
Other names: c.841C>T, p.Arg281Trp (NM_001257360.2); c.487C>T, p.Arg163Trp (NM_001257361.2); c.616C>T, p.Arg206Trp (NM_001308170.1); c.679C>T, p.Arg227Trp (NM_004037.9); c.598C>T, p.Arg200Trp (NM_139156.4); short protein forms R200W, R206W, R227W, R163W, R281W.
Identifiers: ClinVar variation 2923120 (VCV002923120.2), dbSNP rs753173769, ClinGen allele CA341556044.
Genomic context (GRCh38, chr1:109,626,873, plus strand): 5'-AGCTTCTGCCCCACCACCCGCCGCTACCTGCAGCAGCTGGCTGAAAAGCCTCTGGAGACC[C>T]GGACCTATGAACAGGGCCCCGACACCCCTGTGTCTGCTGGTGGGACTCCCCATCTCTGCC-3'
Protein context (NP_001355738.1, residues 217-237): QQLAEKPLET[Arg227Trp]TYEQGPDTPV